The following is an entry in ClinVar:

NM_007294.4(BRCA1):c.1767C>A (p.Ser589Arg)

Gene: BRCA1 (BRCA1 DNA repair associated; minus strand). Cytogenetic location: 17q21.31.
Variant type: single nucleotide variant.
Coding change: c.1767C>A on transcript NM_007294.4 (MANE Select); coding-DNA position 1767, C replaced by A.
Protein change: p.Ser589Arg; replaces serine 589 with arginine.
Molecular consequence: missense variant. On other transcripts: intron variant (137).
Genome position (GRCh38, 1-based): chr17:43,093,764, G>T on the plus strand (C>A on the coding strand, the complement: BRCA1 is on the minus strand). VCF-style: chr17-43093764-G-T. GRCh37 (hg19) VCF-style: chr17-41245781-G-T.
Other names: c.1554C>A, p.Ser518Arg (NM_001407571.1, NM_001407898.1, NM_001407899.1 and 9 more transcripts); c.1767C>A, p.Ser589Arg (NM_001407581.1, NM_001407582.1, NM_001407583.1 and 30 more transcripts); c.1764C>A, p.Ser588Arg (NM_001407587.1, NM_001407590.1, NM_001407591.1 and 22 more transcripts); c.1758C>A, p.Ser586Arg (NM_001407647.1, NM_001407646.1); c.1644C>A, p.Ser548Arg (NM_001407648.1, NM_001407668.1, NM_001407669.1 and 19 more transcripts); c.1641C>A, p.Ser547Arg (NM_001407649.1, NM_001407670.1, NM_001407671.1 and 11 more transcripts); c.1689C>A, p.Ser563Arg (NM_001407653.1, NM_001407654.1, NM_001407655.1 and 4 more transcripts); c.1626C>A, p.Ser542Arg (NM_001407692.1, NM_001407694.1, NM_001407695.1 and 29 more transcripts); and 40 more; short protein forms S589R, S542R, S293R, S421R, S477R, S478R, S522R, S547R.
Identifiers: ClinVar variation 156486 (VCV000156486.5), dbSNP rs587783039, ClinGen allele CA001150.
Genomic context (GRCh38, chr17:43,093,764, plus strand): 5'-ATTCTTTTTAGGTGCTTTTGAATTGTGGATATTTAATTCGAGTTCCATATTGCTTATACT[G>T]CTGCTTATAGGTTCAGCTTTCGTTTTGAAAGCAGATTCTTTTTCGAGTGATTCTATTGGG-3'
Protein context (NP_009225.1, residues 579-599): AFKTKAEPIS[Ser589Arg]SISNMELELN

ClinVar aggregate classification (germline): Conflicting classifications of pathogenicity. Review status: criteria provided, conflicting classifications (1 of 4 stars). 3 submissions from 3 submitters: Uncertain significance (1); Likely benign (1). 1 of the submissions does not count toward it. Last evaluated 2024-08-13.

Conditions:
Hereditary cancer-predisposing syndrome. Also called: Tumor predisposition; Hereditary neoplastic syndrome; Hereditary Cancer Syndrome; Neoplastic Syndromes, Hereditary. Identifiers: Orphanet 140162, MedGen C0027672, MeSH D009386, MONDO:0015356.
BRCA1-related cancer predisposition. Identifiers: MedGen CN377757, MONDO:0700268.
Breast-ovarian cancer, familial, susceptibility to, 1 (BROVCA1). Also called: BRCA1 Hereditary Breast and Ovarian Cancer; OVARIAN CANCER, SUSCEPTIBILITY TO. Identifiers: Orphanet 145, MedGen C2676676, MONDO:0011450, OMIM 604370. Disease mechanism: loss of function.

Submissions (3):

All of Us Research Program, National Institutes of Health
Classification: Uncertain significance for BRCA1-related cancer predisposition. Last evaluated: 2024-08-13. Review status: criteria provided, single submitter. Criteria: ACMG Guidelines, 2015. Collection method: clinical testing. Allele origin: germline. Inheritance: Autosomal dominant inheritance. Observed: 1 variant allele, 1 heterozygote.
Comment: This missense variant replaces serine with arginine at codon 589 of the BRCA1 protein. Computational prediction is inconclusive regarding the impact of this variant on protein structure and function. To our knowledge, functional studies have not been reported for this variant. This variant has not been reported in individuals affected with BRCA1-related disorders in the literature. This variant has not been identified in the general population by the Genome Aggregation Database (gnomAD). The available evidence is insufficient to determine the role of this variant in disease conclusively. Therefore, this variant is classified as a Variant of Uncertain Significance.

This study involves interpretation of variants in research participants for the purpose of population health screening. Participant phenotype was not available at the time of variant classification. Additional details can be found in publication PMID: 35346344, PMCID: PMC8962531

University of Washington Department of Laboratory Medicine, University of Washington
Classification: Likely benign for Hereditary cancer-predisposing syndrome. Last evaluated: 2023-03-23. Review status: criteria provided, single submitter. Criteria: Dines et al. (Genet Med. 2020). Collection method: curation. Allele origin: germline.
Comment: Missense variant in a coldspot region where missense variants are very unlikely to be pathogenic (PMID:31911673).

BRCA1 coldspot (exon 11 using historical exon numbering). Reclassification based on statistical prior probability

Pathway Genomics
Classification: Uncertain significance for Breast-ovarian cancer, familial 1. Last evaluated: 2014-07-24. Review status: no assertion criteria provided. Collection method: clinical testing. Allele origin: germline. Not counted in ClinVar's aggregate classification.